The following is an entry in ClinVar:

NM_001161352.2(KCNMA1):c.2961G>T (p.Met987Ile)

Genes: KCNMA1 (potassium calcium-activated channel subfamily M alpha 1; minus strand), KCNMA1-AS1 (KCNMA1 antisense RNA 1; plus strand). Cytogenetic location: 10q22.3.
Variant type: single nucleotide variant.
Coding change: c.2961G>T on transcript NM_001161352.2 (MANE Select); coding-DNA position 2961, G replaced by T.
Protein change: p.Met987Ile; replaces methionine 987 with isoleucine.
Molecular consequence: missense variant.
Genome position (GRCh38, 1-based): chr10:76,914,991, C>A on the plus strand (G>T on the coding strand, the complement: KCNMA1 is on the minus strand). VCF-style: chr10-76914991-C-A. GRCh37 (hg19) VCF-style: chr10-78674749-C-A.
Other names: c.2796G>T, p.Met932Ile (NM_001322829.2, NM_001322836.2, NM_001271519.2); c.2808G>T, p.Met936Ile (NM_001322830.2); c.2787G>T, p.Met929Ile (NM_001322832.2, NM_001410940.1, NM_002247.4); c.2799G>T, p.Met933Ile (NM_001322835.2, NM_001322837.2, NM_001014797.3); c.2334G>T, p.Met778Ile (NM_001322838.2); c.2919G>T, p.Met973Ile (NM_001437422.1); c.2874G>T, p.Met958Ile (NM_001437423.1); c.2910G>T, p.Met970Ile (NM_001161353.2); and 1 more; short protein forms M778I, M879I, M929I, M932I, M933I, M936I, M958I, M970I.
Identifiers: ClinVar variation 5020368 (VCV005020368.1).
Genomic context (GRCh38, chr10:76,914,991, plus strand): 5'-CCTACCTAGTTCAGTGATGATGGGGATGTTGACCCCAGTTGTGATGGATGGTTGACGTAA[C>A]ATCCCGTGCACTGGGCTGTTATCTGGAGAGGATCTATCCATTCCTGGAGGTGTGAACCCT-3'
Protein context (NP_001154824.1, residues 977-997): SSPDNSPVHG[Met987Ile]LRQPSITTGV

ClinVar aggregate classification (germline): Uncertain significance (1 of 4 stars; one submission).

Submission:

Dasa
Classification: Uncertain significance. Last evaluated: 2026-06-15. Review status: criteria provided, single submitter. Criteria: DASA Assertion Criteria. Collection method: clinical testing. Allele origin: germline.
Comment: NM_001161352.2(KCNMA1):c.2961G>T (p.Met987Ile) is a missense variant that results in the substitution of methionine with isoleucine. This variant is rare in population databases. The currently available literature and clinical evidence are not sufficient to establish a definitive association between this variant and the reported condition. Therefore, this variant is classified as a variant of uncertain significance.